The following is an entry in ClinVar:

ClinVar aggregate classification (germline): Uncertain significance (1 of 4 stars; one submission).

Conditions:
Developmental and epileptic encephalopathy, 37 (DEE37). Also called: Epileptic encephalopathy, early infantile, 37. Identifiers: MedGen C4310770, MONDO:0014859, OMIM 616981.

Submission:

Labcorp Genetics (formerly Invitae), Labcorp
Classification: Uncertain significance for Developmental and epileptic encephalopathy, 37. Last evaluated: 2022-08-09. Review status: criteria provided, single submitter. Criteria: Invitae Variant Classification Sherloc (09022015). Collection method: clinical testing. Allele origin: germline.
Comment: In summary, the available evidence is currently insufficient to determine the role of this variant in disease. Therefore, it has been classified as a Variant of Uncertain Significance. Algorithms developed to predict the effect of missense changes on protein structure and function (SIFT, PolyPhen-2, Align-GVGD) all suggest that this variant is likely to be tolerated. ClinVar contains an entry for this variant (Variation ID: 1381158). This variant has not been reported in the literature in individuals affected with FRRS1L-related conditions. This variant is not present in population databases (gnomAD no frequency). This sequence change replaces alanine, which is neutral and non-polar, with threonine, which is neutral and polar, at codon 319 of the FRRS1L protein (p.Ala319Thr).

NM_014334.4(FRRS1L):c.802G>A (p.Ala268Thr)

Gene: FRRS1L (ferric chelate reductase 1 like; minus strand). Cytogenetic location: 9q31.3.
Variant type: single nucleotide variant.
Coding change: c.802G>A on transcript NM_014334.4 (MANE Select); coding-DNA position 802, G replaced by A.
Protein change: p.Ala268Thr; replaces alanine 268 with threonine.
Molecular consequence: missense variant.
Genome position (GRCh38, 1-based): chr9:109,137,535, C>T on the plus strand (G>A on the coding strand, the complement: FRRS1L is on the minus strand). VCF-style: chr9-109137535-C-T. GRCh37 (hg19) VCF-style: chr9-111899815-C-T.
Other names: c.955G>A (NM_014334.2); short protein forms A268T.
Identifiers: ClinVar variation 1381158 (VCV001381158.8), dbSNP rs2118459152, ClinGen allele CA374422957.